The following is an entry in ClinVar:

NM_173728.4(ARHGEF15):c.2501G>A (p.Gly834Asp)

Gene: ARHGEF15 (Rho guanine nucleotide exchange factor 15; plus strand). Cytogenetic location: 17p13.1.
Variant type: single nucleotide variant.
Coding change: c.2501G>A on transcript NM_173728.4 (MANE Select); coding-DNA position 2501, G replaced by A.
Protein change: p.Gly834Asp; replaces glycine 834 with aspartic acid.
Molecular consequence: missense variant.
Genome position (GRCh38, 1-based): chr17:8,320,968, G>A. VCF-style: chr17-8320968-G-A. GRCh37 (hg19) VCF-style: chr17-8224286-G-A.
Other names: c.2501G>A, p.Gly834Asp (NM_025014.2); short protein forms G834D.
Identifiers: ClinVar variation 1403933 (VCV001403933.7), dbSNP rs929994723, ClinGen allele CA287572910.
Genomic context (GRCh38, chr17:8,320,968, plus strand): 5'-AAAGGAGGAGGCACCTTCGCCAGAACCAGAGGCTTCTCGAGGCTGTTGGATCTTCTTCAG[G>A]CACCCCCAATGCCCCCCCACCCTAATGCAGGCTGAGGAGGGGGCACATGTTGGGAGACAC-3'
Protein context (NP_776089.2, residues 824-841): RLLEAVGSSS[Gly834Asp]TPNAPPP

ClinVar aggregate classification (germline): Uncertain significance (1 of 4 stars; one submission).

Conditions:
Early-infantile DEE. Also called: Early infantile epileptic encephalopathy; Ohtahara syndrome; Early infantile epileptic encephalopathy with suppression bursts. Identifiers: Orphanet 1934, MedGen C0393706, MONDO:0800491.

Allele frequency attached by ClinVar (database versions not stated): TOPMed 0.00001.

Submission:

Labcorp Genetics (formerly Invitae), Labcorp
Classification: Uncertain significance for Early-infantile DEE. Last evaluated: 2021-08-19. Review status: criteria provided, single submitter. Criteria: Invitae Variant Classification Sherloc (09022015). Collection method: clinical testing. Allele origin: germline.
Comment: This sequence change replaces glycine with aspartic acid at codon 834 of the ARHGEF15 protein (p.Gly834Asp). The glycine residue is moderately conserved and there is a moderate physicochemical difference between glycine and aspartic acid. This variant is not present in population databases (ExAC no frequency). This variant has not been reported in the literature in individuals affected with ARHGEF15-related conditions. Algorithms developed to predict the effect of missense changes on protein structure and function output the following: SIFT: "Tolerated"; PolyPhen-2: "Benign"; Align-GVGD: "Class C0". The aspartic acid amino acid residue is found in multiple mammalian species, which suggests that this missense change does not adversely affect protein function. In summary, the available evidence is currently insufficient to determine the role of this variant in disease. Therefore, it has been classified as a Variant of Uncertain Significance.